The following is an entry in ClinVar:

ClinVar aggregate classification (germline): Uncertain significance. Review status: criteria provided, multiple submitters, no conflicts (2 of 4 stars). 3 submissions from 3 submitters: Uncertain significance (3). Last evaluated 2024-06-17.

Conditions:
Malignant hyperthermia, susceptibility to, 5 (MHS5). Also called: CACNA1S-Related Malignant Hyperthermia Susceptibility. Identifiers: Orphanet 423, MedGen C1866077, MONDO:0011163, OMIM 601887.
Hypokalemic periodic paralysis, type 1. Also called: Hypokalemic Periodic Paralysis Type 1 (AD); HypoPP. Identifiers: Orphanet 681, MedGen C3714580, MONDO:0042979, OMIM 170400.
Congenital myopathy 18. Also called: Myopathy, congenital, due to dihydropyridine receptor defect; DIHYDROPYRIDINE RECEPTOR CONGENITAL MYOPATHY; DHPR CONGENITAL MYOPATHY. Identifiers: MedGen C5830283, MONDO:0859514, OMIM 620246.
Thyrotoxic periodic paralysis, susceptibility to, 1 (TTPP1). Identifiers: Orphanet 79102, MedGen C2749982, MONDO:0008570, OMIM 188580.

Allele frequency attached by ClinVar (database versions not stated): gnomAD exomes below 0.00001.
gnomAD v4.1: 1 of 1,614,212 alleles (0.000062%); highest among the groups gnomAD compares: Non-Finnish European, 0.000085%; no homozygotes.

Submissions (3):

Fulgent Genetics
Classification: Uncertain significance for Hypokalemic periodic paralysis, type 1; Thyrotoxic periodic paralysis, susceptibility to, 1; Malignant hyperthermia, susceptibility to, 5; Congenital myopathy 18. Last evaluated: 2024-06-17. Review status: criteria provided, single submitter. Criteria: ACMG Guidelines, 2015. Collection method: clinical testing. Allele origin: germline.

Labcorp Genetics (formerly Invitae), Labcorp
Classification: Uncertain significance for Hypokalemic periodic paralysis, type 1; Malignant hyperthermia, susceptibility to, 5. Last evaluated: 2023-10-15. Review status: criteria provided, single submitter. Criteria: Invitae Variant Classification Sherloc (09022015). Collection method: clinical testing. Allele origin: germline.
Comment: This sequence change replaces tyrosine, which is neutral and polar, with cysteine, which is neutral and slightly polar, at codon 1546 of the CACNA1S protein (p.Tyr1546Cys). This variant is not present in population databases (gnomAD no frequency). This variant has not been reported in the literature in individuals affected with CACNA1S-related conditions. Advanced modeling of protein sequence and biophysical properties (such as structural, functional, and spatial information, amino acid conservation, physicochemical variation, residue mobility, and thermodynamic stability) performed at Invitae indicates that this missense variant is not expected to disrupt CACNA1S protein function. In summary, the available evidence is currently insufficient to determine the role of this variant in disease. Therefore, it has been classified as a Variant of Uncertain Significance.

All of Us Research Program, National Institutes of Health
Classification: Uncertain significance for Malignant hyperthermia, susceptibility to, 5. Last evaluated: 2023-04-10. Review status: criteria provided, single submitter. Criteria: ACMG Guidelines, 2015. Collection method: clinical testing. Allele origin: germline. Inheritance: Autosomal dominant inheritance. Observed: 1 variant allele, 1 heterozygote.
Comment: This missense variant replaces tyrosine with cysteine at codon 1546 of the CACNA1S protein. Computational prediction is inconclusive regarding the impact of this variant on protein structure and function (internally defined REVEL score threshold 0.5 < inconclusive < 0.7, PMID: 27666373). To our knowledge, functional studies have not been reported for this variant. This variant has not been reported in individuals affected with CACNA1S-related disorders in the literature. This variant has not been identified in the general population by the Genome Aggregation Database (gnomAD). The available evidence is insufficient to determine the role of this variant in disease conclusively. Therefore, this variant is classified as a Variant of Uncertain Significance.

This study involves interpretation of variants in research participants for the purpose of population health screening. Participant phenotype was not available at the time of variant classification. Additional details can be found in publication PMID: 35346344, PMCID: PMC8962531

NM_000069.3(CACNA1S):c.4637A>G (p.Tyr1546Cys)

Gene: CACNA1S (calcium voltage-gated channel subunit alpha1 S; minus strand). Cytogenetic location: 1q32.1.
Variant type: single nucleotide variant.
Coding change: c.4637A>G on transcript NM_000069.3 (MANE Select); coding-DNA position 4637, A replaced by G.
Protein change: p.Tyr1546Cys; replaces tyrosine 1546 with cysteine.
Molecular consequence: missense variant.
Genome position (GRCh38, 1-based): chr1:201,047,146, T>C on the plus strand (A>G on the coding strand, the complement: CACNA1S is on the minus strand). VCF-style: chr1-201047146-T-C. GRCh37 (hg19) VCF-style: chr1-201016274-T-C.
Other names: short protein forms Y1546C.
Identifiers: ClinVar variation 2930288 (VCV002930288.5), dbSNP rs2464429050, ClinGen allele CA344141754.